The following is an entry in ClinVar:

ClinVar aggregate classification (germline): Uncertain significance (1 of 4 stars; one submission).

Conditions:
Severe combined immunodeficiency due to DNA-PKcs deficiency. Also called: Immunodeficiency 26 with or without neurologic abnormalities; IMMUNODEFICIENCY 26 WITH NEUROLOGIC ABNORMALITIES. Identifiers: Orphanet 317425, MedGen C4014833, MONDO:0014423, OMIM 615966.

Submission:

Labcorp Genetics (formerly Invitae), Labcorp
Classification: Uncertain significance for Severe combined immunodeficiency due to DNA-PKcs deficiency. Last evaluated: 2022-07-20. Review status: criteria provided, single submitter. Criteria: Invitae Variant Classification Sherloc (09022015). Collection method: clinical testing. Allele origin: germline.
Comment: In summary, the available evidence is currently insufficient to determine the role of this variant in disease. Therefore, it has been classified as a Variant of Uncertain Significance. Experimental studies and prediction algorithms are not available or were not evaluated, and the functional significance of this variant is currently unknown. This variant has not been reported in the literature in individuals affected with PRKDC-related conditions. This variant is not present in population databases (gnomAD no frequency). This sequence change replaces lysine, which is basic and polar, with arginine, which is basic and polar, at codon 3267 of the PRKDC protein (p.Lys3267Arg).

NM_006904.7(PRKDC):c.9800A>G (p.Lys3267Arg)

Gene: PRKDC (protein kinase, DNA-activated, catalytic subunit; minus strand). Cytogenetic location: 8q11.21.
Variant type: single nucleotide variant.
Coding change: c.9800A>G on transcript NM_006904.7 (MANE Select); coding-DNA position 9800, A replaced by G.
Protein change: p.Lys3267Arg; replaces lysine 3267 with arginine.
Molecular consequence: missense variant.
Genome position (GRCh38, 1-based): chr8:47,803,428, T>C on the plus strand (A>G on the coding strand, the complement: PRKDC is on the minus strand). VCF-style: chr8-47803428-T-C. GRCh37 (hg19) VCF-style: chr8-48715989-T-C.
Other names: c.9800A>G, p.Lys3267Arg (NM_001081640.2); short protein forms K3267R.
Identifiers: ClinVar variation 2097918 (VCV002097918.4), dbSNP rs2551863355, ClinGen allele CA371136813.